The following is an entry in ClinVar:

NM_001379180.1(ESRRB):c.517C>T (p.Arg173Cys)

Gene: ESRRB (estrogen related receptor beta; plus strand). Cytogenetic location: 14q24.3.
Variant type: single nucleotide variant.
Coding change: c.517C>T on transcript NM_001379180.1 (MANE Select); coding-DNA position 517, C replaced by T.
Protein change: p.Arg173Cys; replaces arginine 173 with cysteine.
Molecular consequence: missense variant.
Genome position (GRCh38, 1-based): chr14:76,462,601, C>T. VCF-style: chr14-76462601-C-T. GRCh37 (hg19) VCF-style: chr14-76928944-C-T.
Other names: c.469C>T, p.Arg157Cys (NM_001411038.1); c.454C>T, p.Arg152Cys (NM_004452.4); short protein forms R152C, R157C, R173C.
Identifiers: ClinVar variation 2579911 (VCV002579911.2), dbSNP rs1414566395, ClinGen allele CA390476735.

ClinVar aggregate classification (germline): Uncertain significance (1 of 4 stars; one submission).

Allele frequency attached by ClinVar (database versions not stated): gnomAD exomes below 0.00001; TOPMed below 0.00001.
gnomAD v4.1: 6 of 1,614,080 alleles (0.00037%); highest among the groups gnomAD compares: African/African-American, 0.0013%; no homozygotes.

Submission:

GeneDx
Classification: Uncertain significance. Last evaluated: 2023-09-25. Review status: criteria provided, single submitter. Criteria: GeneDx Variant Classification Process June 2021. Collection method: clinical testing. Allele origin: germline.
Comment: Not observed at significant frequency in large population cohorts (gnomAD); In silico analysis supports that this missense variant has a deleterious effect on protein structure/function; Has not been previously published as pathogenic or benign to our knowledge